The following is an entry in ClinVar:

ClinVar aggregate classification (germline): Uncertain significance. Review status: criteria provided, multiple submitters, no conflicts (2 of 4 stars). 2 submissions from 2 submitters: Uncertain significance (2). Last evaluated 2025-08-08.

Allele frequency attached by ClinVar (database versions not stated): ExAC 0.00004; gnomAD 0.00011; TOPMed 0.00014; ESP Exome Variant Server 0.00017; 1000 Genomes Project 30x 0.00047; 1000 Genomes Project 0.00060.
gnomAD v4.1: 44 of 1,613,774 alleles (0.0027%); highest among the groups gnomAD compares: African/African-American, 0.047%; no homozygotes.

Submissions (2):

Ambry Genetics
Classification: Uncertain significance. Last evaluated: 2025-08-08. Review status: criteria provided, single submitter. Criteria: Ambry Variant Classification Scheme 2023. Collection method: clinical testing. Allele origin: germline.

Labcorp Genetics (formerly Invitae), Labcorp
Classification: Uncertain significance. Last evaluated: 2024-03-10. Review status: criteria provided, single submitter. Criteria: Invitae Variant Classification Sherloc (09022015). Collection method: clinical testing. Allele origin: germline.
Comment: This sequence change replaces proline, which is neutral and non-polar, with serine, which is neutral and polar, at codon 1123 of the NPAT protein (p.Pro1123Ser). This variant is present in population databases (rs76572922, gnomAD 0.03%). This variant has not been reported in the literature in individuals affected with NPAT-related conditions. ClinVar contains an entry for this variant (Variation ID: 2496657). Algorithms developed to predict the effect of missense changes on protein structure and function output the following: SIFT: "Not Available"; PolyPhen-2: "Benign"; Align-GVGD: "Not Available". The serine amino acid residue is found in multiple mammalian species, which suggests that this missense change does not adversely affect protein function. In summary, the available evidence is currently insufficient to determine the role of this variant in disease. Therefore, it has been classified as a Variant of Uncertain Significance.

NM_002519.3(NPAT):c.3367C>T (p.Pro1123Ser)

Gene: NPAT (nuclear protein, coactivator of histone transcription; minus strand). Cytogenetic location: 11q22.3.
Variant type: single nucleotide variant.
Coding change: c.3367C>T on transcript NM_002519.3 (MANE Select); coding-DNA position 3367, C replaced by T.
Protein change: p.Pro1123Ser; replaces proline 1123 with serine.
Molecular consequence: missense variant.
Genome position (GRCh38, 1-based): chr11:108,161,719, G>A on the plus strand (C>T on the coding strand, the complement: NPAT is on the minus strand). VCF-style: chr11-108161719-G-A. GRCh37 (hg19) VCF-style: chr11-108032446-G-A.
Other names: c.3388C>T, p.Pro1130Ser (NM_001321307.1); short protein forms P1123S, P1130S.
Identifiers: ClinVar variation 2496657 (VCV002496657.5), dbSNP rs76572922, ClinGen allele CA6263593.